The following is an entry in ClinVar:

ClinVar aggregate classification (germline): Uncertain significance (1 of 4 stars; one submission).

gnomAD v4.1: 6 of 1,600,020 alleles (0.00037%); highest among the groups gnomAD compares: African/African-American, 0.0027%; no homozygotes.

Submission:

Labcorp Genetics (formerly Invitae), Labcorp
Classification: Uncertain significance. Last evaluated: 2023-04-24. Review status: criteria provided, single submitter. Criteria: Invitae Variant Classification Sherloc (09022015). Collection method: clinical testing. Allele origin: germline.
Comment: This sequence change replaces arginine, which is basic and polar, with proline, which is neutral and non-polar, at codon 1252 of the COL18A1 protein (p.Arg1252Pro). This variant is present in population databases (no rsID available, gnomAD 0.01%). This variant has not been reported in the literature in individuals affected with COL18A1-related conditions. ClinVar contains an entry for this variant (Variation ID: 1519285). Experimental studies and prediction algorithms are not available or were not evaluated, and the functional significance of this variant is currently unknown. In summary, the available evidence is currently insufficient to determine the role of this variant in disease. Therefore, it has been classified as a Variant of Uncertain Significance.

NM_001379500.1(COL18A1):c.3764G>C (p.Arg1255Pro)

Genes: COL18A1 (collagen type XVIII alpha 1 chain; plus strand), SLC19A1 (solute carrier family 19 member 1; minus strand). Cytogenetic location: 21q22.3.
Variant type: single nucleotide variant.
Coding change: c.3764G>C on transcript NM_001379500.1 (MANE Select); coding-DNA position 3764, G replaced by C.
Protein change: p.Arg1255Pro; replaces arginine 1255 with proline.
Molecular consequence: missense variant.
Genome position (GRCh38, 1-based): chr21:45,511,181, G>C. VCF-style: chr21-45511181-G-C. GRCh37 (hg19) VCF-style: chr21-46931095-G-C.
Other names: c.4295G>C, p.Arg1432Pro (NM_030582.4); c.5000G>C, p.Arg1667Pro (NM_130444.3); short protein forms R1255P, R1667P, R1432P.
Identifiers: ClinVar variation 1519285 (VCV001519285.5), dbSNP rs757116735, ClinGen allele CA410501988.